The following is an entry in ClinVar:

ClinVar aggregate classification (germline): Pathogenic (1 of 4 stars; one submission).

Conditions:
Tuberous sclerosis syndrome (TSC). Also called: Tuberous Sclerosis Complex; Tuberous sclerosis. Identifiers: Orphanet 805, MedGen C0041341, MONDO:0001734.

Submission:

Cambridge Genomics Laboratory, East Genomic Laboratory Hub, NHS Genomic Medicine Service
Classification: Pathogenic for Tuberous sclerosis. Last evaluated: 2026-08-19. Review status: criteria provided, single submitter. Criteria: ACGS Best Practice Guidelines for Variant Classification in Rare Disease 2020. Collection method: clinical testing. Allele origin: germline. Affected: yes.
Comment: PVS1,PM2

NM_000368.5(TSC1):c.2628del (p.Glu876_Val877insTer)

Gene: TSC1 (TSC complex subunit 1; minus strand). Cytogenetic location: 9q34.13.
Variant type: Deletion.
Coding change: c.2628del on transcript NM_000368.5 (MANE Select); coding-DNA position 2628, one base deleted (A; older notation c.2628delA).
Protein change: p.Glu876_Val877insTer.
Molecular consequence: frameshift variant. On other transcripts: non-coding transcript variant (5).
Genome position (GRCh38, 1-based): chr9:132,897,608, T deleted on the plus strand (A on the coding strand, the reverse complement: TSC1 is on the minus strand); the first of 2 consecutive T bases (chr9:132,897,608-132,897,609); deleting either gives the same sequence. VCF-style (leftmost placement, unchanged base first): chr9-132897607-CT-C. GRCh37 (hg19) VCF-style: chr9-135772994-CT-C.
Other names: c.2586del, p.Glu862_Val863insTer (NM_001406605.1, NM_001406606.1, NM_001406607.1); c.2583del, p.Glu861_Val862insTer (NM_001406608.1, NM_001406609.1); c.2475del, p.Glu825_Val826insTer (NM_001406610.1, NM_001162427.2); c.2472del, p.Glu824_Val825insTer (NM_001406611.1, NM_001406612.1); c.2430del, p.Glu810_Val811insTer (NM_001406613.1); c.2265del, p.Glu755_Val756insTer (NM_001406614.1, NM_001406615.1, NM_001406616.1 and 4 more transcripts); c.2262del, p.Glu754_Val755insTer (NM_001406620.1, NM_001406621.1, NM_001406622.1 and 1 more transcripts); c.2625del, p.Glu875_Val876insTer (NM_001162426.2, NM_001406597.1, NM_001406598.1 and 2 more transcripts); and 8 more.
Identifiers: ClinVar variation 4890879 (VCV004890879.1).